The following is an entry in ClinVar:

NM_016818.3(ABCG1):c.-38GCC[11]

Gene: ABCG1 (ATP binding cassette subfamily G member 1; plus strand). Cytogenetic location: 21q22.3.
Variant type: Microsatellite.
Coding change: c.-38GCC[11] on transcript NM_016818.3 (MANE Select); 11 copies in a row of the 3-base unit GCC starting at c.-38; the reference has ten copies in a row; one copy, 3 bases duplicated.
Molecular consequence: 5 prime UTR variant. On other transcripts: intron variant (3).
Genome position (GRCh38, 1-based): chr21:42,219,252-42,219,254, GCC duplicated; duplicating any 3 consecutive bases within chr21:42,219,223-42,219,254 gives the same sequence; the position shown is the placement nearest the transcript's 3' end. VCF-style (leftmost placement, unchanged base first): chr21-42219222-C-CCCG. GRCh37 (hg19) VCF-style: chr21-43639332-C-CCCG.
Other names: c.-38GCC[11] (NM_004915.4); c.49-6448CCG[11] (NM_207627.2); c.-24-6448CCG[11] (NM_207628.1); c.33+3035CCG[11] (NM_207629.2).
Identifiers: ClinVar variation 3041521 (VCV003041521.2), dbSNP rs2234716, ClinGen allele CA10040791.

ClinVar aggregate classification (germline): Benign (0 of 4 stars; one submission).

Conditions:
ABCG1-related disorder. Also called: ABCG1-related condition.

Submission:

PreventionGenetics, part of Exact Sciences
Classification: Benign for ABCG1-related condition. Last evaluated: 2019-05-22. Review status: no assertion criteria provided. Collection method: clinical testing. Allele origin: germline.
Comment: This variant is classified as benign based on ACMG/AMP sequence variant interpretation guidelines (Richards et al. 2015 PMID: 25741868, with internal and published modifications).